The following is an entry in ClinVar:

ClinVar aggregate classification (germline): Benign (1 of 4 stars; one submission).

Allele frequency attached by ClinVar (database versions not stated): gnomAD 0.08681 and 0.09232; TOPMed 0.09665; 1000 Genomes Project 30x 0.11196; 1000 Genomes Project 0.11242; gnomAD exomes 0.11569.
gnomAD v4.1: 64,560 of 592,028 alleles (11%); highest among the groups gnomAD compares: Admixed American, 20%; 4,239 homozygotes.

Submission:

GeneDx
Classification: Benign. Last evaluated: 2018-06-19. Review status: criteria provided, single submitter. Criteria: GeneDx Variant Classification (06012015). Collection method: clinical testing. Allele origin: germline. Affected: yes.
Comment: This variant is considered likely benign or benign based on one or more of the following criteria: it is a conservative change, it occurs at a poorly conserved position in the protein, it is predicted to be benign by multiple in silico algorithms, and/or has population frequency not consistent with disease.

NM_153240.5(NPHP3):c.1276-122T>C

Genes: NPHP3 (nephrocystin 3; minus strand), NPHP3-ACAD11 (NPHP3-ACAD11 readthrough (NMD candidate); minus strand). Cytogenetic location: 3q22.1.
Variant type: single nucleotide variant.
Coding change: c.1276-122T>C on transcript NM_153240.5 (MANE Select); 122 bases into the intron before coding-DNA position 1276, T replaced by C.
Molecular consequence: intron variant.
Genome position (GRCh38, 1-based): chr3:132,705,936, A>G on the plus strand (T>C on the coding strand, the complement: NPHP3 is on the minus strand). VCF-style: chr3-132705936-A-G. GRCh37 (hg19) VCF-style: chr3-132424780-A-G.
Identifiers: ClinVar variation 667679 (VCV000667679.1), dbSNP rs3860501, ClinGen allele CA83597404.
Genomic context (GRCh38, chr3:132,705,936, plus strand): 5'-AATACTTTTATACTGCTTATGTGACAGGAACTATTCTAAATATTTAACACATATTAGCTA[A>G]TTTATCTTCACAACAACCTTAGGAGGGAGATACTATTATTATCCCCATTTTATAGAAGAG-3'